The following is an entry in ClinVar:

NM_080424.4(SP110):c.1176G>A (p.Val392=)

Gene: SP110 (SP110 nuclear body protein; minus strand). Cytogenetic location: 2q37.1.
Variant type: single nucleotide variant.
Coding change: c.1176G>A on transcript NM_080424.4 (MANE Select); coding-DNA position 1176, G replaced by A.
Protein change: p.Val392=; no amino-acid change (valine 392 retained).
Molecular consequence: synonymous variant.
Genome position (GRCh38, 1-based): chr2:230,186,097, C>T on the plus strand (G>A on the coding strand, the complement: SP110 is on the minus strand). VCF-style: chr2-230186097-C-T. GRCh37 (hg19) VCF-style: chr2-231050813-C-T.
Other names: c.1194G>A, p.Val398= (NM_001185015.2, NM_001378442.1, NM_001378444.1 and 2 more transcripts); c.1176G>A, p.Val392= (NM_001378443.1, NM_004509.5, NM_004510.4); c.1026G>A, p.Val342= (NM_001378447.1).
Identifiers: ClinVar variation 3050687 (VCV003050687.2), dbSNP rs376997701, ClinGen allele CA2154595.
Genomic context (GRCh38, chr2:230,186,097, plus strand): 5'-GACCCTCATCATGACCTCTGAGTTCCAGGTTGAGTCGTCTTTCCTTTGAGTCACCTTATC[C>T]ACCACTTGGAGCTTCTCTTGGATGCCATGCCCAGGTGAGGCTGCCCCTGGACCAAATAGA-3'
Protein context (NP_536349.3, residues 382-402): GHGIQEKLQV[Val392=]DKVTQRKDDS

ClinVar aggregate classification (germline): Likely benign (0 of 4 stars; one submission).

Conditions:
SP110-related disorder. Also called: SP110-related condition.

Allele frequency attached by ClinVar (database versions not stated): gnomAD exomes 0.00001; gnomAD 0.00003; TOPMed 0.00003; ExAC 0.00004; ESP Exome Variant Server 0.00008; 1000 Genomes Project 0.00020; 1000 Genomes Project 30x 0.00031.
gnomAD v4.1: 15 of 1,614,104 alleles (0.00093%); highest among the groups gnomAD compares: East Asian, 0.016%; no homozygotes.

Submission:

PreventionGenetics, part of Exact Sciences
Classification: Likely benign for SP110-related condition. Last evaluated: 2019-07-10. Review status: no assertion criteria provided. Collection method: clinical testing. Allele origin: germline.
Comment: This variant is classified as likely benign based on ACMG/AMP sequence variant interpretation guidelines (Richards et al. 2015 PMID: 25741868, with internal and published modifications).